The following is an entry in ClinVar:

ClinVar aggregate classification (germline): Pathogenic/Likely pathogenic. Review status: criteria provided, multiple submitters, no conflicts (2 of 4 stars). 3 submissions from 3 submitters: Pathogenic (1); Likely pathogenic (2). Last evaluated 2026-08-26.

Conditions:
SERAC1-related disorder. Also called: SERAC1-related disorders; SERAC1-related condition.
3-methylglutaconic aciduria with deafness, encephalopathy, and Leigh-like syndrome (MEGDEL). Also called: 3-METHYLGLUTACONIC ACIDURIA, TYPE VI; SERAC1 Deficiency; MEGDEL syndrome. Identifiers: Orphanet 352328, MedGen C4040739, MONDO:0013875, OMIM 614739.

Allele frequency attached by ClinVar (database versions not stated): gnomAD exomes 0.00002; gnomAD 0.00005; ExAC 0.00002.

Submissions (3):

Broad Center for Mendelian Genomics, Broad Institute of MIT and Harvard
Classification: Likely pathogenic for 3-methylglutaconic aciduria with deafness, encephalopathy, and Leigh-like syndrome. Last evaluated: 2026-08-26. Review status: criteria provided, single submitter. Criteria: ACMG Guidelines, 2015. Collection method: research. Allele origin: germline. Inheritance: Autosomal recessive inheritance. Study: GREGoR Consortium.
Comment: The p.Ala609SerfsTer14 variant in SERAC1 has been previously reported in 8 unrelated individuals with 3-methylglutaconic aciduria with deafness, encephalopathy, and Leigh-like syndrome (PMID: 22683713, PMID: 27290639, PMID: 30909120), but has been identified in 0.009% (1/10624) of European (Finnish) chromosomes by the Genome Aggregation Database (gnomAD; dbSNP ID: rs746623547). Although this variant has been seen in the general population in a heterozygous state, its frequency is low enough to be consistent with a recessive carrier frequency. Of these 8 previously reported unrelated individuals (PMID: 22683713, PMID: 27290639, PMID: 30909120), 4 were homozygotes (PMID: 27290639, PMID: 30909120), and 2 were compound heterozygotes who carried a pathogenic or likely pathogenic variants in trans (PMID: 22683713, PMID: 30909120, PMID: 30909120; ClinVar Variation ID: 869397), which increases the likelihood that the p.Ala609SerfsTer14 variant is pathogenic. This variant is predicted to cause a frameshift, which alters the protein’s amino acid sequence beginning at position 609 and leads to a premature termination codon 14 amino acids downstream. This termination codon occurs within the terminal 50 bases of the second to last exon and is more likely to escape nonsense mediated decay (NMD) and result in a truncated protein. Loss of function of the SERAC1 gene is an established disease mechanism in autosomal recessive 3-methylglutaconic aciduria with deafness, encephalopathy, and Leigh-like syndrome. In summary, although additional studies are required to fully establish its clinical significance, this variant is likely pathogenic for autosomal recessive 3-methylglutaconic aciduria with deafness, encephalopathy, and Leigh-like syndrome. ACMG/AMP Criteria applied: PVS1_Moderate, PM2_Supporting, PM3_Strong (Richards 2015).

Blueprint Genetics
Classification: Pathogenic for SERAC1-related disorders. Last evaluated: 2024-09-07. Review status: criteria provided, single submitter. Criteria: ACMG Guidelines, 2015. Collection method: clinical testing. Allele origin: germline. Affected: yes. Observed: 5 variant alleles.

Institute of Human Genetics Munich, TUM University Hospital
Classification: Likely pathogenic for 3-methylglutaconic aciduria with deafness, encephalopathy, and Leigh-like syndrome. Last evaluated: 2022-03-07. Review status: criteria provided, single submitter. Criteria: Classification criteria August 2017. Collection method: clinical testing. Allele origin: inherited. Inheritance: Autosomal recessive inheritance. Affected: yes. Observed: 1 variant allele.

Literature cited by the submitters: PubMed 27290639 (cited by Institute of Human Genetics Munich, TUM University Hospital).

NM_032861.4(SERAC1):c.1823dup (p.Ala609fs)

Gene: SERAC1 (serine active site containing 1; minus strand). Cytogenetic location: 6q25.3.
Variant type: Duplication.
Coding change: c.1823dup on transcript NM_032861.4 (MANE Select); coding-DNA position 1823, one base duplicated (C; older notation c.1823dupC).
Protein change: p.Ala609fs; shifts the reading frame from alanine 609.
Molecular consequence: frameshift variant.
Genome position (GRCh38, 1-based): chr6:158,113,454, G duplicated on the plus strand (C on the coding strand, the reverse complement: SERAC1 is on the minus strand). VCF-style (leftmost placement, unchanged base first): chr6-158113453-T-TG. GRCh37 (hg19) VCF-style: chr6-158534485-T-TG.
Other names: NM_032861.4(SERAC1):c.1823dup; p.Ala609fs; short protein forms A609fs.
Identifiers: ClinVar variation 4890903 (VCV004890903.1), dbSNP rs746623547.